The following is an entry in ClinVar:

ClinVar aggregate classification (germline): Likely benign. Review status: criteria provided, multiple submitters, no conflicts (2 of 4 stars). 2 submissions from 2 submitters: Likely benign (2). Last evaluated 2024-10-19.

Conditions:
MYORG-related disorder. Also called: MYORG-related condition.

Allele frequency attached by ClinVar (database versions not stated): ExAC 0.00014; ESP Exome Variant Server 0.00016; gnomAD exomes 0.00019 and 0.00042; TOPMed 0.00022; gnomAD 0.00025 and 0.00027.

Submissions (2):

PreventionGenetics, part of Exact Sciences
Classification: Likely benign for MYORG-related condition. Last evaluated: 2024-10-19. Review status: criteria provided, single submitter. Criteria: ACMG Guidelines, 2015. Collection method: clinical testing. Allele origin: germline.
Comment: This variant is classified as likely benign based on ACMG/AMP sequence variant interpretation guidelines (Richards et al. 2015 PMID: 25741868, with internal and published modifications).

Labcorp Genetics (formerly Invitae), Labcorp
Classification: Likely benign. Last evaluated: 2024-07-19. Review status: criteria provided, single submitter. Criteria: Invitae Variant Classification Sherloc (09022015). Collection method: clinical testing. Allele origin: germline.

NM_020702.5(MYORG):c.723C>T (p.Asp241=)

Gene: MYORG (myogenesis regulating glycosidase; minus strand). Cytogenetic location: 9p13.3.
Variant type: single nucleotide variant.
Coding change: c.723C>T on transcript NM_020702.5 (MANE Select); coding-DNA position 723, C replaced by T.
Protein change: p.Asp241=; no amino-acid change (aspartic acid 241 retained).
Molecular consequence: synonymous variant.
Genome position (GRCh38, 1-based): chr9:34,372,221, G>A on the plus strand (C>T on the coding strand, the complement: MYORG is on the minus strand). VCF-style: chr9-34372221-G-A. GRCh37 (hg19) VCF-style: chr9-34372219-G-A.
Other names: c.723C>T (NM_020702.4).
Identifiers: ClinVar variation 1681312 (VCV001681312.9), dbSNP rs377738574, ClinGen allele CA5033082.